The following is an entry in ClinVar:

NM_003680.4(YARS1):c.451G>A (p.Glu151Lys)

Gene: YARS1 (tyrosyl-tRNA synthetase 1; minus strand). Cytogenetic location: 1p35.1.
Variant type: single nucleotide variant.
Coding change: c.451G>A on transcript NM_003680.4 (MANE Select); coding-DNA position 451, G replaced by A.
Protein change: p.Glu151Lys; replaces glutamic acid 151 with lysine.
Molecular consequence: missense variant.
Genome position (GRCh38, 1-based): chr1:32,806,541, C>T on the plus strand (G>A on the coding strand, the complement: YARS1 is on the minus strand). VCF-style: chr1-32806541-C-T. GRCh37 (hg19) VCF-style: chr1-33272142-C-T.
Other names: c.451G>A (NM_003680.3); short protein forms E151K.
Identifiers: ClinVar variation 1681528 (VCV001681528.7), dbSNP rs2148614952, ClinGen allele CA339686824.

ClinVar aggregate classification (germline): Uncertain significance. Review status: criteria provided, multiple submitters, no conflicts (2 of 4 stars). 2 submissions from 2 submitters: Uncertain significance (2). Last evaluated 2024-04-09.

Conditions:
Charcot-Marie-Tooth disease dominant intermediate C (CMTDIC). Also called: CHARCOT-MARIE-TOOTH NEUROPATHY, DOMINANT INTERMEDIATE C. Identifiers: Orphanet 100045, MedGen C1842237, MONDO:0012012, OMIM 608323.
Inborn genetic diseases. Identifiers: MedGen C0950123, MeSH D030342.

Submissions (2):

Ambry Genetics
Classification: Uncertain significance for Inborn genetic diseases. Last evaluated: 2024-04-09. Review status: criteria provided, single submitter. Criteria: Ambry Variant Classification Scheme 2023. Collection method: clinical testing. Allele origin: germline.

Labcorp Genetics (formerly Invitae), Labcorp
Classification: Uncertain significance for Charcot-Marie-Tooth disease dominant intermediate C. Last evaluated: 2021-09-08. Review status: criteria provided, single submitter. Criteria: Invitae Variant Classification Sherloc (09022015). Collection method: clinical testing. Allele origin: germline.
Comment: This variant is not present in population databases (ExAC no frequency). This sequence change replaces glutamic acid with lysine at codon 151 of the YARS protein (p.Glu151Lys). The glutamic acid residue is highly conserved and there is a small physicochemical difference between glutamic acid and lysine. This variant has not been reported in the literature in individuals affected with YARS-related conditions. Algorithms developed to predict the effect of missense changes on protein structure and function are either unavailable or do not agree on the potential impact of this missense change (SIFT: "Not Available"; PolyPhen-2: "Probably Damaging"; Align-GVGD: "Not Available"). In summary, the available evidence is currently insufficient to determine the role of this variant in disease. Therefore, it has been classified as a Variant of Uncertain Significance.